The following is an entry in ClinVar:

ClinVar aggregate classification (germline): Uncertain significance (1 of 4 stars; one submission).

gnomAD v4.1: 1 of 1,613,916 alleles (0.000062%); highest among the groups gnomAD compares: Non-Finnish European, 0.000085%; no homozygotes.

Submission:

GeneDx
Classification: Uncertain significance. Last evaluated: 2024-04-19. Review status: criteria provided, single submitter. Criteria: GeneDx Variant Classification Process June 2021. Collection method: clinical testing. Allele origin: germline. Affected: yes.
Comment: Not observed at significant frequency in large population cohorts (gnomAD); In silico analysis indicates that this missense variant does not alter protein structure/function; Has not been previously published as pathogenic or benign to our knowledge

NM_133433.4(NIPBL):c.1961A>G (p.Asn654Ser)

Gene: NIPBL (NIPBL cohesin loading factor; plus strand). Cytogenetic location: 5p13.2.
Variant type: single nucleotide variant.
Coding change: c.1961A>G on transcript NM_133433.4 (MANE Select); coding-DNA position 1961, A replaced by G.
Protein change: p.Asn654Ser; replaces asparagine 654 with serine.
Molecular consequence: missense variant.
Genome position (GRCh38, 1-based): chr5:36,985,141, A>G. VCF-style: chr5-36985141-A-G. GRCh37 (hg19) VCF-style: chr5-36985243-A-G.
Other names: c.1961A>G, p.Asn654Ser (NM_015384.5); short protein forms N654S.
Identifiers: ClinVar variation 3372777 (VCV003372777.1).